The following is an entry in ClinVar:

ClinVar aggregate classification (germline): Conflicting classifications of pathogenicity. Review status: criteria provided, conflicting classifications (1 of 4 stars). 4 submissions from 4 submitters: Likely pathogenic (1); Uncertain significance (3). Last evaluated 2025-12-15.

Conditions:
NPHP3-related disorder. Also called: NPHP3-related condition; NPHP3-related disorders. Identifiers: MedGen CN379163.
Nephronophthisis. Also called: Juvenile Nephronophthisis. Identifiers: Orphanet 655, MedGen C0687120, MONDO:0019005, HP:0000090.
Renal-hepatic-pancreatic dysplasia 1 (RHPD1). Identifiers: MedGen C3715199, MONDO:0008833, OMIM 208540.
NPHP3-related Meckel-like syndrome. Also called: GOLDSTON SYNDROME; Meckel syndrome type 7. Identifiers: Orphanet 3032, MedGen C2673885, MONDO:0009966, OMIM 267010.
Nephronophthisis 3 (NPHP3). Also called: Adolescent nephronophthisis. Identifiers: Orphanet 655, MedGen C1858392, MONDO:0011456, OMIM 604387.

Allele frequency attached by ClinVar (database versions not stated): gnomAD 0.00001; gnomAD exomes 0.00001; ExAC 0.00002; TOPMed 0.00002.
gnomAD v4.1: 7 of 1,600,194 alleles (0.00044%); highest among the groups gnomAD compares: African/African-American, 0.0013%; no homozygotes.

Submissions (4):

Labcorp Genetics (formerly Invitae), Labcorp
Classification: Uncertain significance for Nephronophthisis. Last evaluated: 2025-12-15. Review status: criteria provided, single submitter. Criteria: Invitae Variant Classification Sherloc (09022015). Collection method: clinical testing. Allele origin: germline.
Comment: This sequence change replaces lysine, which is basic and polar, with glutamic acid, which is acidic and polar, at codon 144 of the NPHP3 protein (p.Lys144Glu). The frequency data for this variant in the population databases is considered unreliable, as metrics indicate poor data quality at this position in the gnomAD database. This missense change has been observed in individual(s) with nephronophthisis (PMID: 37992003). In at least one individual the data is consistent with being in trans (on the opposite chromosome) from a pathogenic variant. ClinVar contains an entry for this variant (Variation ID: 462728). Invitae Evidence Modeling of protein sequence and biophysical properties (such as structural, functional, and spatial information, amino acid conservation, physicochemical variation, residue mobility, and thermodynamic stability) indicates that this missense variant is not expected to disrupt NPHP3 protein function with a negative predictive value of 95%. In summary, the available evidence is currently insufficient to determine the role of this variant in disease. Therefore, it has been classified as a Variant of Uncertain Significance.

PreventionGenetics, part of Exact Sciences
Classification: Uncertain significance for NPHP3-related condition. Last evaluated: 2025-11-07. Review status: criteria provided, single submitter. Criteria: ACMG Guidelines, 2015. Collection method: clinical testing. Allele origin: germline.
Comment: The NPHP3 c.430A>G variant is predicted to result in the amino acid substitution p.Lys144Glu. This variant has been reported in the compound heterozygous state along with the NPHP3 c.434_437del (p.Glu145Valfs*3) variant in an individual with adolescent nephronophthisis (Ajiboye et al. 2023. PubMed ID: 37992003). This variant is reported in 0.0040% of alleles in individuals of African descent in gnomAD. In ClinVar this variant has conflicting interpretations of pathogenicity of uncertain and likely pathogenic (Variation ID: 462728)). Although we suspect this variant may be pathogenic, at this time, the clinical significance of this variant is uncertain due to the absence of conclusive functional and genetic evidence.

Fulgent Genetics
Classification: Uncertain significance for Renal-hepatic-pancreatic dysplasia 1; NPHP3-related Meckel-like syndrome; Nephronophthisis 3. Last evaluated: 2024-04-23. Review status: criteria provided, single submitter. Criteria: ACMG Guidelines, 2015. Collection method: clinical testing. Allele origin: germline.

GeneDx
Classification: Likely pathogenic. Last evaluated: 2023-06-01. Review status: criteria provided, single submitter. Criteria: GeneDx Variant Classification Process June 2021. Collection method: clinical testing. Allele origin: germline. Affected: yes.
Comment: Not observed at significant frequency in large population cohorts (gnomAD); In silico analysis supports that this missense variant does not alter protein structure/function; Has not been previously published as pathogenic or benign to our knowledge

Literature cited by the submitters: PubMed 37992003 (cited by Labcorp Genetics (formerly Invitae), Labcorp).

NM_153240.5(NPHP3):c.430A>G (p.Lys144Glu)

Genes: NPHP3 (nephrocystin 3; minus strand), NPHP3-ACAD11 (NPHP3-ACAD11 readthrough (NMD candidate); minus strand). Cytogenetic location: 3q22.1.
Variant type: single nucleotide variant.
Coding change: c.430A>G on transcript NM_153240.5 (MANE Select); coding-DNA position 430, A replaced by G.
Protein change: p.Lys144Glu; replaces lysine 144 with glutamic acid.
Molecular consequence: missense variant. On other transcripts: non-coding transcript variant (1).
Genome position (GRCh38, 1-based): chr3:132,719,794, T>C on the plus strand (A>G on the coding strand, the complement: NPHP3 is on the minus strand). VCF-style: chr3-132719794-T-C. GRCh37 (hg19) VCF-style: chr3-132438638-T-C.
Other names: short protein forms K144E.
Identifiers: ClinVar variation 462728 (VCV000462728.11), dbSNP rs745342273, ClinGen allele CA2622607.
Genomic context (GRCh38, chr3:132,719,794, plus strand): 5'-CATGTTCAAATGTTGCTGCTCTCTCCATTGCTTGGTATTTCGCTTCTAAAGCACTTTCTT[T>C]TTCTCGAAGTATCTTCTGATACGTTTTTTGAAGTGCCTAGAATAATTTACCTTGTTATTT-3'
Protein context (NP_694972.3, residues 134-154): QKTYQKILRE[Lys144Glu]ESALEAKYQA